The following is an entry in ClinVar:

NM_025114.4(CEP290):c.6364A>T (p.Arg2122Ter)

Gene: CEP290 (centrosomal protein 290; minus strand). Cytogenetic location: 12q21.32.
Variant type: single nucleotide variant.
Coding change: c.6364A>T on transcript NM_025114.4 (MANE Select); coding-DNA position 6364, A replaced by T.
Protein change: p.Arg2122Ter; replaces arginine 2122 with a stop codon.
Molecular consequence: nonsense.
Genome position (GRCh38, 1-based): chr12:88,060,988, T>A on the plus strand (A>T on the coding strand, the complement: CEP290 is on the minus strand). VCF-style: chr12-88060988-T-A. GRCh37 (hg19) VCF-style: chr12-88454765-T-A.
Other names: short protein forms R2122*.
Identifiers: ClinVar variation 503613 (VCV000503613.4), dbSNP rs1555197766, ClinGen allele CA385978953.

ClinVar aggregate classification (germline): Pathogenic/Likely pathogenic. Review status: criteria provided, multiple submitters, no conflicts (2 of 4 stars). 3 submissions from 3 submitters: Pathogenic (2); Likely pathogenic (1). Last evaluated 2025-11-23.

Conditions:
CEP290-related ciliopathy. Also called: CEP290 ciliopathy. Identifiers: MedGen CN305601, MONDO:0100451.
Bardet-Biedl syndrome 14 (BBS14). Identifiers: Orphanet 110, MedGen C2673874, MONDO:0014442, OMIM 615991.

Submissions (3):

Myriad Genetics, Inc.
Classification: Pathogenic for CEP290-related ciliopathy. Last evaluated: 2025-11-23. Review status: criteria provided, single submitter. Criteria: Myriad Autosomal Dominant, Autosomal Recessive and X-Linked Classification Criteria (2023). Collection method: clinical testing. Allele origin: unknown.
Comment: NM_025114.3(CEP290):c.6364A>T(R2122*) is expected to be pathogenic in the context of CEP290-related disorders. This variant is predicted to lead to an abnormal or absent protein product due to the creation of a premature termination codon in CEP290, a gene where loss-of-function variants are known to be pathogenic. Please note: this variant was assessed in the context of healthy population screening.

Baylor Genetics
Classification: Likely pathogenic for Bardet-Biedl syndrome 14. Last evaluated: 2023-07-11. Review status: criteria provided, single submitter. Criteria: ACMG Guidelines, 2015. Collection method: clinical testing. Allele origin: unknown.

GeneDx
Classification: Pathogenic. Last evaluated: 2014-03-21. Review status: criteria provided, single submitter. Criteria: GeneDx Variant Classification (06012015). Collection method: clinical testing. Allele origin: germline. Affected: yes.
Comment: The R2122X nonsense variant in the CEP290 gene is predicted to cause loss of normal protein function either through protein truncation or nonsense-mediated mRNA decay. Although this variant has not been reported previously to our knowledge, it is expected to be a disease-causing variant.